The following is an entry in ClinVar:

ClinVar aggregate classification (germline): Conflicting classifications of pathogenicity. Review status: criteria provided, conflicting classifications (1 of 4 stars). 6 submissions from 6 submitters: Uncertain significance (3); Likely benign (3). Last evaluated 2026-01-26.

Conditions:
ADAMTS13-related disorder. Also called: ADAMTS13-related condition.
Upshaw-Schulman syndrome (TTP). Also called: Congenital thrombotic thrombocytopenic purpura; THROMBOTIC THROMBOCYTOPENIC PURPURA, HEREDITARY. Identifiers: Orphanet 93583, MedGen C1268935, MONDO:0010122, OMIM 274150.

Allele frequency attached by ClinVar (database versions not stated): gnomAD 0.00009 and 0.00010; TOPMed 0.00020; gnomAD exomes 0.00022 and 0.00039; ESP Exome Variant Server 0.00023; ExAC 0.00044.
gnomAD v4.1: 343 of 1,613,896 alleles (0.021%); highest among the groups gnomAD compares: South Asian, 0.21%; no homozygotes.

Submissions (6):

Women's Health and Genetics/Laboratory Corporation of America, LabCorp
Classification: Uncertain significance. Last evaluated: 2026-01-26. Review status: criteria provided, single submitter. Criteria: LabCorp Variant Classification Summary - May 2015. Collection method: clinical testing. Allele origin: germline.
Comment: Variant summary: ADAMTS13 c.2915G>A (p.Arg972Gln) results in a conservative amino acid change in the encoded protein sequence. Algorithms developed to predict the effect of missense changes on protein structure and function all suggest that this variant is likely to be tolerated. The variant allele was found at a frequency of 0.00039 in 250676 control chromosomes. This frequency is not significantly higher than estimated for disease-causing variants in ADAMTS13, allowing no conclusion about variant significance. To our knowledge, no occurrence of c.2915G>A in individuals affected with ADAMTS13-related conditions and no experimental evidence demonstrating its impact on protein function have been reported. ClinVar contains an entry for this variant (Variation ID: 365557). Based on the evidence outlined above, the variant was classified as uncertain significance.

Labcorp Genetics (formerly Invitae), Labcorp
Classification: Likely benign. Last evaluated: 2026-01-22. Review status: criteria provided, single submitter. Criteria: Invitae Variant Classification Sherloc (09022015). Collection method: clinical testing. Allele origin: germline.

PreventionGenetics, part of Exact Sciences
Classification: Likely benign for ADAMTS13-related condition. Last evaluated: 2025-01-24. Review status: criteria provided, single submitter. Criteria: ACMG Guidelines, 2015. Collection method: clinical testing. Allele origin: germline.
Comment: This variant is classified as likely benign based on ACMG/AMP sequence variant interpretation guidelines (Richards et al. 2015 PMID: 25741868, with internal and published modifications).

Blueprint Genetics
Classification: Likely benign. Last evaluated: 2024-11-22. Review status: criteria provided, single submitter. Criteria: ACMG Guidelines, 2015. Collection method: clinical testing. Allele origin: germline.

Fulgent Genetics
Classification: Uncertain significance for Upshaw-Schulman syndrome. Last evaluated: 2022-03-02. Review status: criteria provided, single submitter. Criteria: ACMG Guidelines, 2015. Collection method: clinical testing. Allele origin: unknown.

Illumina Laboratory Services, Illumina
Classification: Uncertain significance for Upshaw-Schulman syndrome. Last evaluated: 2018-01-12. Review status: criteria provided, single submitter. Criteria: ICSL Variant Classification Criteria 13 December 2019. Collection method: clinical testing. Allele origin: germline.

NM_139027.6(ADAMTS13):c.2915G>A (p.Arg972Gln)

Gene: ADAMTS13 (ADAM metallopeptidase with thrombospondin type 1 motif 13; plus strand). Cytogenetic location: 9q34.2.
Variant type: single nucleotide variant.
Coding change: c.2915G>A on transcript NM_139027.6 (MANE Select); coding-DNA position 2915, G replaced by A.
Protein change: p.Arg972Gln; replaces arginine 972 with glutamine.
Molecular consequence: missense variant. On other transcripts: non-coding transcript variant (1).
Genome position (GRCh38, 1-based): chr9:133,449,836, G>A. VCF-style: chr9-133449836-G-A. GRCh37 (hg19) VCF-style: chr9-136314957-G-A.
Other names: c.2915G>A, p.Arg972Gln (NM_139025.5); c.2822G>A, p.Arg941Gln (NM_139026.6); short protein forms R972Q, R941Q.
Identifiers: ClinVar variation 365557 (VCV000365557.13), dbSNP rs139951127, ClinGen allele CA10629426.